The following is an entry in ClinVar:

ClinVar aggregate classification (germline): Likely benign. Review status: criteria provided, multiple submitters, no conflicts (2 of 4 stars). 3 submissions from 3 submitters: Likely benign (2). 1 of the submissions does not count toward it. Last evaluated 2023-07-06.

Conditions:
P2RX2-related disorder. Also called: P2RX2-related condition.

Allele frequency attached by ClinVar (database versions not stated): gnomAD 0.00004.

Submissions (3):

Blueprint Genetics
Classification: Likely benign. Last evaluated: 2023-07-06. Review status: criteria provided, single submitter. Criteria: ACMG Guidelines, 2015. Collection method: clinical testing. Allele origin: germline.

Labcorp Genetics (formerly Invitae), Labcorp
Classification: Likely benign. Last evaluated: 2023-02-14. Review status: criteria provided, single submitter. Criteria: Invitae Variant Classification Sherloc (09022015). Collection method: clinical testing. Allele origin: germline.

PreventionGenetics, part of Exact Sciences
Classification: Likely benign for P2RX2-related condition. Last evaluated: 2019-03-06. Review status: no assertion criteria provided. Collection method: clinical testing. Allele origin: germline. Not counted in ClinVar's aggregate classification.
Comment: This variant is classified as likely benign based on ACMG/AMP sequence variant interpretation guidelines (Richards et al. 2015 PMID: 25741868, with internal and published modifications).

NM_170682.4(P2RX2):c.1077C>T (p.Cys359=)

Gene: P2RX2 (purinergic receptor P2X 2; plus strand). Cytogenetic location: 12q24.33.
Variant type: single nucleotide variant.
Coding change: c.1077C>T on transcript NM_170682.4 (MANE Select); coding-DNA position 1077, C replaced by T.
Protein change: p.Cys359=; no amino-acid change (cysteine 359 retained).
Molecular consequence: synonymous variant. On other transcripts: 3 prime UTR variant (1).
Genome position (GRCh38, 1-based): chr12:132,621,633, C>T. VCF-style: chr12-132621633-C-T. GRCh37 (hg19) VCF-style: chr12-133198219-C-T.
Other names: c.1077C>T (NM_174873.2); c.975C>T, p.Cys325= (NM_001282164.2); c.*124C>T (NM_001282165.2); c.861C>T, p.Cys287= (NM_012226.5); c.1005C>T, p.Cys335= (NM_016318.4); c.1155C>T, p.Cys385= (NM_170683.4); c.801C>T, p.Cys267= (NM_174872.3); c.1077C>T, p.Cys359= (NM_174873.3).
Identifiers: ClinVar variation 2067845 (VCV002067845.7), dbSNP rs746554350, ClinGen allele CA6891822.
Genomic context (GRCh38, chr12:132,621,633, plus strand): 5'-CGGGGGGTCCACCAGGCCCTTACACACCGGTCTCTGCTGGCCCCAGGGCTCCTTCCTGTG[C>T]GACTGGATCTTGCTAACATTCATGAACAAAAACAAGGTCTACAGCCATAAGAAATTTGAC-3'
Protein context (NP_733782.1, residues 349-369): LTSVGVGSFL[Cys359=]DWILLTFMNK